The following is an entry in ClinVar:

NM_001408.3(CELSR2):c.5305G>A (p.Asp1769Asn)

Gene: CELSR2 (cadherin EGF LAG seven-pass G-type receptor 2; plus strand). Cytogenetic location: 1p13.3.
Variant type: single nucleotide variant.
Coding change: c.5305G>A on transcript NM_001408.3 (MANE Select); coding-DNA position 5305, G replaced by A.
Protein change: p.Asp1769Asn; replaces aspartic acid 1769 with asparagine.
Molecular consequence: missense variant.
Genome position (GRCh38, 1-based): chr1:109,264,469, G>A. VCF-style: chr1-109264469-G-A. GRCh37 (hg19) VCF-style: chr1-109807091-G-A.
Other names: short protein forms D1769N.
Identifiers: ClinVar variation 2083436 (VCV002083436.1), dbSNP rs372896199, ClinGen allele CA987517.

ClinVar aggregate classification (germline): Uncertain significance (1 of 4 stars; one submission).

Allele frequency attached by ClinVar (database versions not stated): gnomAD 0.00006; ESP Exome Variant Server 0.00008; ExAC 0.00010; gnomAD exomes 0.00015.
gnomAD v4.1: 238 of 1,613,030 alleles (0.015%); highest among the groups gnomAD compares: Middle Eastern, 0.033%; no homozygotes.

Submission:

Labcorp Genetics (formerly Invitae), Labcorp
Classification: Uncertain significance. Last evaluated: 2021-09-24. Review status: criteria provided, single submitter. Criteria: Invitae Variant Classification Sherloc (09022015). Collection method: clinical testing. Allele origin: germline.
Comment: This sequence change replaces aspartic acid with asparagine at codon 1769 of the CELSR2 protein (p.Asp1769Asn). The aspartic acid residue is weakly conserved and there is a small physicochemical difference between aspartic acid and asparagine. This variant is present in population databases (rs372896199, ExAC 0.02%). This variant has not been reported in the literature in individuals with CELSR2-related conditions. Algorithms developed to predict the effect of missense changes on protein structure and function are either unavailable or do not agree on the potential impact of this missense change (SIFT: "Deleterious"; PolyPhen-2: "Benign"; Align-GVGD: "Class C0"). In summary, the available evidence is currently insufficient to determine the role of this variant in disease. Therefore, it has been classified as a Variant of Uncertain Significance.